The following is an entry in ClinVar:

ClinVar aggregate classification (germline): Uncertain significance (1 of 4 stars; one submission).

gnomAD v4.1: 615 of 1,613,806 alleles (0.038%); highest among the groups gnomAD compares: Non-Finnish European, 0.048%; 1 homozygote.

Submission:

CeGaT Center for Human Genetics Tuebingen
Classification: Uncertain significance. Last evaluated: 2024-07-01. Review status: criteria provided, single submitter. Criteria: CeGaT Center For Human Genetics Tuebingen Variant Classification Criteria Version 2. Collection method: clinical testing. Allele origin: germline. Affected: yes. Observed: 1 variant allele.
Comment: ADH5: PM2

NM_000671.4(ADH5):c.1037T>A (p.Val346Glu)

Gene: ADH5 (alcohol dehydrogenase 5 (class III), chi polypeptide; minus strand). Cytogenetic location: 4q23.
Variant type: single nucleotide variant.
Coding change: c.1037T>A on transcript NM_000671.4 (MANE Select); coding-DNA position 1037, T replaced by A.
Protein change: p.Val346Glu; replaces valine 346 with glutamic acid.
Molecular consequence: missense variant.
Genome position (GRCh38, 1-based): chr4:99,072,636, A>T on the plus strand (T>A on the coding strand, the complement: ADH5 is on the minus strand). VCF-style: chr4-99072636-A-T. GRCh37 (hg19) VCF-style: chr4-99993787-A-T.
Other names: short protein forms V346E.
Identifiers: ClinVar variation 3257614 (VCV003257614.17).